The following is an entry in ClinVar:

ClinVar aggregate classification (germline): Benign/Likely benign. Review status: criteria provided, multiple submitters, no conflicts (2 of 4 stars). 11 submissions from 11 submitters: Benign (7); Likely benign (2). 2 of the submissions do not count toward it. Last evaluated 2026-01-26.

Conditions:
Primary ciliary dyskinesia. Also called: Ciliary dyskinesia. Identifiers: Orphanet 244, MedGen C0008780, MONDO:0016575, HP:0012265.
Primary ciliary dyskinesia 15. Also called: CILIARY DYSKINESIA, PRIMARY, 15, WITH OR WITHOUT SITUS INVERSUS. Identifiers: Orphanet 244, MedGen C3151137, MONDO:0013435, OMIM 613808.

Allele frequency attached by ClinVar (database versions not stated): gnomAD exomes 0.00094 and 0.00218; ExAC 0.00417; ESP Exome Variant Server 0.00534; gnomAD 0.00868 and 0.00943; 1000 Genomes Project 0.00919; 1000 Genomes Project 30x 0.00984; TOPMed 0.00996.

Submissions (11):

Labcorp Genetics (formerly Invitae), Labcorp
Classification: Benign for Primary ciliary dyskinesia. Last evaluated: 2026-01-26. Review status: criteria provided, single submitter. Criteria: Invitae Variant Classification Sherloc (09022015). Collection method: clinical testing. Allele origin: germline.

Mayo Clinic Laboratories, Mayo Clinic
Classification: Benign. Last evaluated: 2025-03-06. Review status: criteria provided, single submitter. Criteria: ACMG Guidelines, 2015. Collection method: clinical testing. Allele origin: germline. Observed: 2 variant alleles.
Comment: BS1, BS2, BP4

Blueprint Genetics
Classification: Likely benign. Last evaluated: 2024-11-27. Review status: criteria provided, single submitter. Criteria: ACMG Guidelines, 2015. Collection method: clinical testing. Allele origin: germline.

ARUP Laboratories, Molecular Genetics and Genomics, ARUP Laboratories
Classification: Likely benign for Primary ciliary dyskinesia 15. Last evaluated: 2023-08-30. Review status: criteria provided, single submitter. Criteria: ARUP Molecular Germline Variant Investigation Process 2024. Collection method: clinical testing. Allele origin: germline.

Ambry Genetics
Classification: Benign for Primary ciliary dyskinesia. Last evaluated: 2018-04-20. Review status: criteria provided, single submitter. Criteria: Ambry Variant Classification Scheme 2023. Collection method: clinical testing. Allele origin: germline.

Illumina Laboratory Services, Illumina
Classification: Benign for Primary ciliary dyskinesia 15. Last evaluated: 2018-01-13. Review status: criteria provided, single submitter. Criteria: ICSL Variant Classification Criteria 13 December 2019. Collection method: clinical testing. Allele origin: germline.
Comment: This variant was observed in the ICSL laboratory as part of a predisposition screen in an ostensibly healthy population. It had not been previously curated by ICSL or reported in the Human Gene Mutation Database (HGMD: prior to June 1st, 2018), and was therefore a candidate for classification through an automated scoring system. Utilizing variant allele frequency, disease prevalence and penetrance estimates, and inheritance mode, an automated score was calculated to assess if this variant is too frequent to cause the disease. Based on the score and internal cut-off values, a variant classified as benign is not then subjected to further curation. The score for this variant resulted in a classification of benign for this disease.

Laboratory for Molecular Medicine, Mass General Brigham Personalized Medicine
Classification: Benign. Last evaluated: 2013-02-21. Review status: criteria provided, single submitter. Criteria: LMM Criteria. Collection method: clinical testing. Allele origin: germline. Observed: 1 variant allele.
Comment: Lys375Gln in exon 7 of CCDC40: This variant is not expected to have clinical sig nificance because it has been identified in 1.5% (63/4160) of African American c hromosomes from a broad population by the NHLBI Exome Sequencing Project (dbSNP rs61734951).

Breakthrough Genomics
Classification: Benign. Review status: criteria provided, single submitter. Criteria: ACMG Guidelines, 2015. Collection method: not provided. Allele origin: germline. Inheritance: Autosomal recessive inheritance. Affected: yes.

PreventionGenetics, part of Exact Sciences
Classification: Benign. Review status: criteria provided, single submitter. Criteria: ACMG Guidelines, 2015. Collection method: clinical testing. Allele origin: germline.

Clinical Genetics DNA and cytogenetics Diagnostics Lab, Erasmus MC, Erasmus Medical Center
Classification: Likely benign. Review status: no assertion criteria provided. Collection method: clinical testing. Allele origin: germline. Affected: yes. Study: VKGL Data-share Consensus. Not counted in ClinVar's aggregate classification.

Laboratory of Diagnostic Genome Analysis, Leiden University Medical Center (LUMC)
Classification: Likely benign. Review status: no assertion criteria provided. Collection method: clinical testing. Allele origin: germline. Affected: yes. Study: VKGL Data-share Consensus. Not counted in ClinVar's aggregate classification.

NM_017950.4(CCDC40):c.1123A>C (p.Lys375Gln)

Gene: CCDC40 (coiled-coil domain 40 molecular ruler complex subunit; plus strand). Cytogenetic location: 17q25.3.
Variant type: single nucleotide variant.
Coding change: c.1123A>C on transcript NM_017950.4 (MANE Select); coding-DNA position 1123, A replaced by C.
Protein change: p.Lys375Gln; replaces lysine 375 with glutamine.
Molecular consequence: missense variant.
Genome position (GRCh38, 1-based): chr17:80,050,247, A>C. VCF-style: chr17-80050247-A-C. GRCh37 (hg19) VCF-style: chr17-78024046-A-C.
Other names: c.1123A>C, p.Lys375Gln (NM_001243342.2, NM_001330508.2); short protein forms K375Q.
Identifiers: ClinVar variation 241230 (VCV000241230.28), dbSNP rs61734951, ClinGen allele CA8813689.